The following is an entry in ClinVar:

ClinVar aggregate classification (germline): Likely benign (1 of 4 stars; one submission).

Allele frequency attached by ClinVar (database versions not stated): ExAC 0.00001; gnomAD exomes 0.00001.
gnomAD v4.1: 3 of 1,613,904 alleles (0.00019%); highest among the groups gnomAD compares: East Asian, 0.0022%; no homozygotes.

Submission:

CeGaT Center for Human Genetics Tuebingen
Classification: Likely benign. Last evaluated: 2022-10-01. Review status: criteria provided, single submitter. Criteria: CeGaT Center For Human Genetics Tuebingen Variant Classification Criteria Version 2. Collection method: clinical testing. Allele origin: germline. Affected: yes. Observed: 1 variant allele.
Comment: SRPRA: BP4, BP7

NM_003139.4(SRPRA):c.54C>T (p.Phe18=)

Gene: SRPRA (SRP receptor subunit alpha; minus strand). Cytogenetic location: 11q24.2.
Variant type: single nucleotide variant.
Coding change: c.54C>T on transcript NM_003139.4 (MANE Select); coding-DNA position 54, C replaced by T.
Protein change: p.Phe18=; no amino-acid change (phenylalanine 18 retained).
Molecular consequence: synonymous variant.
Genome position (GRCh38, 1-based): chr11:126,268,751, G>A on the plus strand (C>T on the coding strand, the complement: SRPRA is on the minus strand). VCF-style: chr11-126268751-G-A. GRCh37 (hg19) VCF-style: chr11-126138646-G-A.
Other names: c.54C>T, p.Phe18= (NM_001177842.2).
Identifiers: ClinVar variation 2642527 (VCV002642527.24), dbSNP rs779265585, ClinGen allele CA6353832.